The following is an entry in ClinVar:

ClinVar aggregate classification (germline): Benign/Likely benign. Review status: criteria provided, multiple submitters, no conflicts (2 of 4 stars). 6 submissions from 6 submitters: Benign (4); Likely benign (2). Last evaluated 2025-10-01.

Conditions:
Inborn genetic diseases. Identifiers: MedGen C0950123, MeSH D030342.
Mowat-Wilson syndrome (MOWS). Also called: Classic Mowat-Wilson Syndrome. Identifiers: Orphanet 2152, MedGen C1856113, MONDO:0009341, OMIM 235730.

Allele frequency attached by ClinVar (database versions not stated): gnomAD below 0.00001 and 0.00011; TOPMed 0.00004; ESP Exome Variant Server 0.00008; gnomAD exomes 0.00019 and 0.00035; ExAC 0.00038; 1000 Genomes Project 0.00040; 1000 Genomes Project 30x 0.00062.
gnomAD v4.1: 316 of 1,614,082 alleles (0.02%); highest among the groups gnomAD compares: South Asian, 0.3%; 4 homozygotes.

Submissions (6):

Athena Diagnostics
Classification: Benign. Last evaluated: 2025-10-01. Review status: criteria provided, single submitter. Criteria: Athena Diagnostics Criteria. Collection method: clinical testing. Allele origin: unknown.
Comment: The frequency of this variant in the general population is higher than would generally be expected for pathogenic variants in this gene. Computational tools yielded predictions that this variant is unlikely to have an effect on normal RNA splicing.

Labcorp Genetics (formerly Invitae), Labcorp
Classification: Benign for Mowat-Wilson syndrome. Last evaluated: 2025-07-02. Review status: criteria provided, single submitter. Criteria: Invitae Variant Classification Sherloc (09022015). Collection method: clinical testing. Allele origin: germline.

Genome-Nilou Lab
Classification: Benign for Mowat-Wilson syndrome. Last evaluated: 2021-11-07. Review status: criteria provided, single submitter. Criteria: ACMG Guidelines, 2015. Collection method: clinical testing. Allele origin: germline. Affected: no.

GeneDx
Classification: Benign. Last evaluated: 2021-02-07. Review status: criteria provided, single submitter. Criteria: GeneDx Variant Classification Process June 2021. Collection method: clinical testing. Allele origin: germline. Affected: yes.

Ambry Genetics
Classification: Likely benign for Inborn genetic diseases. Last evaluated: 2016-08-15. Review status: criteria provided, single submitter. Criteria: Ambry Variant Classification Scheme 2023. Collection method: clinical testing. Allele origin: germline.

Genetic Services Laboratory, University of Chicago
Classification: Likely benign. Last evaluated: 2016-04-01. Review status: criteria provided, single submitter. Criteria: ACMG Guidelines, 2015. Collection method: clinical testing. Allele origin: germline. Affected: no.

NM_014795.4(ZEB2):c.702C>T (p.His234=)

Gene: ZEB2 (zinc finger E-box binding homeobox 2; minus strand). Cytogenetic location: 2q22.3.
Variant type: single nucleotide variant.
Coding change: c.702C>T on transcript NM_014795.4 (MANE Select); coding-DNA position 702, C replaced by T.
Protein change: p.His234=; no amino-acid change (histidine 234 retained).
Molecular consequence: synonymous variant.
Genome position (GRCh38, 1-based): chr2:144,404,021, G>A on the plus strand (C>T on the coding strand, the complement: ZEB2 is on the minus strand). VCF-style: chr2-144404021-G-A. GRCh37 (hg19) VCF-style: chr2-145161588-G-A.
Other names: c.630C>T, p.His210= (NM_001171653.2).
Identifiers: ClinVar variation 413312 (VCV000413312.26), dbSNP rs140169964, ClinGen allele CA1898426.